The following is an entry in ClinVar:

ClinVar aggregate classification (germline): Likely benign (0 of 4 stars; one submission).

Conditions:
CACNA2D3-related disorder. Also called: CACNA2D3-related condition.

Allele frequency attached by ClinVar (database versions not stated): 1000 Genomes Project 0.00100; ExAC 0.00103; gnomAD 0.00108; ESP Exome Variant Server 0.00129; 1000 Genomes Project 30x 0.00141; TOPMed 0.00149; gnomAD exomes 0.00157.
gnomAD v4.1: 2,468 of 1,613,680 alleles (0.15%); highest among the groups gnomAD compares: Non-Finnish European, 0.18%; 5 homozygotes.

Submissions (2):

PreventionGenetics, part of Exact Sciences
Classification: Likely benign for CACNA2D3-related condition. Last evaluated: 2023-01-03. Review status: no assertion criteria provided. Collection method: clinical testing. Allele origin: germline.
Comment: This variant is classified as likely benign based on ACMG/AMP sequence variant interpretation guidelines (Richards et al. 2015 PMID: 25741868, with internal and published modifications).

Dr. Peter K. Rogan Lab, Western University
No classification provided (evidence only). Condition: Cervical cancer. Review status: no classification provided. Collection method: in vitro. Allele origin: not applicable. Functional consequence: skipped exon, retained intron. Not counted in ClinVar's aggregate classification.

NM_018398.3(CACNA2D3):c.2820G>T (p.Leu940Phe)

Gene: CACNA2D3 (calcium voltage-gated channel auxiliary subunit alpha2delta 3; plus strand). Cytogenetic location: 3p14.3.
Variant type: single nucleotide variant.
Coding change: c.2820G>T on transcript NM_018398.3 (MANE Select); coding-DNA position 2820, G replaced by T.
Protein change: p.Leu940Phe; replaces leucine 940 with phenylalanine.
Molecular consequence: missense variant.
Genome position (GRCh38, 1-based): chr3:55,009,388, G>T. VCF-style: chr3-55009388-G-T. GRCh37 (hg19) VCF-style: chr3-55043415-G-T.
Other names: NC_000003.11:g.55043415G>T; short protein forms L940F.
Identifiers: ClinVar variation 3055926 (VCV003055926.3), dbSNP rs142687394, ClinGen allele CA2458716.
Genomic context (GRCh38, chr3:55,009,388, plus strand): 5'-TGTTCTGTGATATGGGCATGGATGACGAAGTAACATTGGGCTTTTCCACGATCTGTTTAG[G>T]TTCCTGGTGGAATTTAACCTCTGCAGTTGGTGGCACTCCGATATGACAGCTAAAGGTGAG-3'
Protein context (NP_060868.2, residues 930-950): AVKWIMTELV[Leu940Phe]FLVEFNLCSW